The following is an entry in ClinVar:

NM_001199397.3(NEK1):c.1267-1G>A

Gene: NEK1 (NIMA related kinase 1; minus strand). Cytogenetic location: 4q33.
Variant type: single nucleotide variant.
Coding change: c.1267-1G>A on transcript NM_001199397.3 (MANE Select); the canonical splice acceptor site of the intron before coding-DNA position 1267, G replaced by A.
Molecular consequence: splice acceptor variant.
Genome position (GRCh38, 1-based): chr4:169,556,096, C>T on the plus strand (G>A on the coding strand, the complement: NEK1 is on the minus strand). VCF-style: chr4-169556096-C-T. GRCh37 (hg19) VCF-style: chr4-170477247-C-T.
Other names: c.1141-1G>A (NM_001374421.1); c.1216-1G>A (NM_001374420.1); c.1192-1G>A (NM_001199399.3); c.1267-1G>A (NM_001199398.3, NM_001374419.1, NM_001199400.3 and 2 more transcripts).
Identifiers: ClinVar variation 3627559 (VCV003627559.2).

ClinVar aggregate classification (germline): Likely pathogenic (1 of 4 stars; one submission).

Conditions:
Short-rib thoracic dysplasia 6 with or without polydactyly (SRTD6). Also called: POLYDACTYLY WITH NEONATAL CHONDRODYSTROPHY, TYPE II; SHORT RIB-POLYDACTYLY SYNDROME, TYPE IIA; SHORT-RIB THORACIC DYSPLASIA 6 WITH POLYDACTYLY; SHORT-RIB THORACIC DYSPLASIA 6 WITHOUT POLYDACTYLY; Majewski Syndrome. Identifiers: MedGen C0024507, MONDO:0009894, OMIM 263520.

gnomAD v4.1: 3 of 1,610,508 alleles (0.00019%); highest among the groups gnomAD compares: African/African-American, 0.0027%; no homozygotes.

Submission:

Labcorp Genetics (formerly Invitae), Labcorp
Classification: Likely pathogenic for Short-rib thoracic dysplasia 6 with or without polydactyly. Last evaluated: 2024-03-26. Review status: criteria provided, single submitter. Criteria: Invitae Variant Classification Sherloc (09022015). Collection method: clinical testing. Allele origin: germline.
Comment: This sequence change affects an acceptor splice site in intron 15 of the NEK1 gene. It is expected to disrupt RNA splicing. Variants that disrupt the donor or acceptor splice site typically lead to a loss of protein function (PMID: 16199547), and loss-of-function variants in NEK1 are known to be pathogenic (PMID: 22499340, 29068549). This variant is not present in population databases (gnomAD no frequency). This variant has not been reported in the literature in individuals affected with NEK1-related conditions. Algorithms developed to predict the effect of sequence changes on RNA splicing suggest that this variant may disrupt the consensus splice site. In summary, the currently available evidence indicates that the variant is pathogenic, but additional data are needed to prove that conclusively. Therefore, this variant has been classified as Likely Pathogenic.

Literature cited by the submitters: PubMed 16199547; PubMed 22499340; PubMed 29068549.